The following is an entry in ClinVar:

ClinVar aggregate classification (germline): Likely benign. Review status: criteria provided, multiple submitters, no conflicts (2 of 4 stars). 5 submissions from 5 submitters: Likely benign (4). 1 of the submissions does not count toward it. Last evaluated 2026-01-21.

Conditions:
ATP1A2-related disorder. Also called: ATP1A2-RELATED DISORDERS; ATP1A2-related condition.
Inborn genetic diseases. Identifiers: MedGen C0950123, MeSH D030342.
Familial hemiplegic migraine. Identifiers: MedGen C0338484, MONDO:0000700.

Allele frequency attached by ClinVar (database versions not stated): ESP Exome Variant Server 0.00008; TOPMed 0.00009; gnomAD 0.00010.
gnomAD v4.1: 186 of 1,614,048 alleles (0.012%); highest among the groups gnomAD compares: Non-Finnish European, 0.015%; no homozygotes.

Submissions (5):

Labcorp Genetics (formerly Invitae), Labcorp
Classification: Likely benign for Familial hemiplegic migraine. Last evaluated: 2026-01-21. Review status: criteria provided, single submitter. Criteria: Invitae Variant Classification Sherloc (09022015). Collection method: clinical testing. Allele origin: germline.

CeGaT Center for Human Genetics Tuebingen
Classification: Likely benign. Last evaluated: 2022-10-01. Review status: criteria provided, single submitter. Criteria: CeGaT Center For Human Genetics Tuebingen Variant Classification Criteria Version 2. Collection method: clinical testing. Allele origin: germline. Affected: yes. Observed: 1 variant allele.
Comment: ATP1A2: BP4, BP7

GeneDx
Classification: Likely benign. Last evaluated: 2020-11-12. Review status: criteria provided, single submitter. Criteria: GeneDx Variant Classification Process June 2021. Collection method: clinical testing. Allele origin: germline. Affected: yes.

Ambry Genetics
Classification: Likely benign for Inborn genetic diseases. Last evaluated: 2017-09-14. Review status: criteria provided, single submitter. Criteria: Ambry Variant Classification Scheme 2023. Collection method: clinical testing. Allele origin: germline.

PreventionGenetics, part of Exact Sciences
Classification: Likely benign for ATP1A2-related condition. Last evaluated: 2023-03-21. Review status: no assertion criteria provided. Collection method: clinical testing. Allele origin: germline. Not counted in ClinVar's aggregate classification.
Comment: This variant is classified as likely benign based on ACMG/AMP sequence variant interpretation guidelines (Richards et al. 2015 PMID: 25741868, with internal and published modifications).

NM_000702.4(ATP1A2):c.1581C>G (p.Leu527=)

Gene: ATP1A2 (ATPase Na+/K+ transporting subunit alpha 2; plus strand). Cytogenetic location: 1q23.2.
Variant type: single nucleotide variant.
Coding change: c.1581C>G on transcript NM_000702.4 (MANE Select); coding-DNA position 1581, C replaced by G.
Protein change: p.Leu527=; no amino-acid change (leucine 527 retained).
Molecular consequence: synonymous variant.
Genome position (GRCh38, 1-based): chr1:160,130,221, C>G. VCF-style: chr1-160130221-C-G. GRCh37 (hg19) VCF-style: chr1-160100011-C-G.
Identifiers: ClinVar variation 381674 (VCV000381674.45), dbSNP rs371520433, ClinGen allele CA1194529.